The following is an entry in ClinVar:

ClinVar aggregate classification (germline): Conflicting classifications of pathogenicity. Review status: criteria provided, conflicting classifications (1 of 4 stars). 2 submissions from 2 submitters: Uncertain significance (1); Likely benign (1). Last evaluated 2025-03-01.

Allele frequency attached by ClinVar (database versions not stated): ExAC 0.00003; gnomAD 0.00005; gnomAD exomes 0.00006; TOPMed 0.00010.
gnomAD v4.1: 71 of 1,210,639 alleles (0.0059%); highest among the groups gnomAD compares: Non-Finnish European, 0.0074%; no homozygotes.

Submissions (2):

CeGaT Center for Human Genetics Tuebingen
Classification: Likely benign. Last evaluated: 2025-03-01. Review status: criteria provided, single submitter. Criteria: CeGaT Center For Human Genetics Tuebingen Variant Classification Criteria Version 2. Collection method: clinical testing. Allele origin: germline. Affected: yes. Observed: 1 variant allele.
Comment: ELF4: BS2

Ambry Genetics
Classification: Uncertain significance. Last evaluated: 2024-08-27. Review status: criteria provided, single submitter. Criteria: Ambry Variant Classification Scheme 2023. Collection method: clinical testing. Allele origin: germline.

NM_001421.4(ELF4):c.1663C>T (p.Pro555Ser)

Gene: ELF4 (E74 like ETS transcription factor 4; minus strand). Cytogenetic location: Xq26.1.
Variant type: single nucleotide variant.
Coding change: c.1663C>T on transcript NM_001421.4 (MANE Select); coding-DNA position 1663, C replaced by T.
Protein change: p.Pro555Ser; replaces proline 555 with serine.
Molecular consequence: missense variant.
Genome position (GRCh38, 1-based): chrX:130,067,050, G>A on the plus strand (C>T on the coding strand, the complement: ELF4 is on the minus strand). VCF-style: chrX-130067050-G-A. GRCh37 (hg19) VCF-style: chrX-129201025-G-A.
Other names: c.1663C>T, p.Pro555Ser (NM_001127197.2); short protein forms P555S.
Identifiers: ClinVar variation 2366576 (VCV002366576.10), dbSNP rs201228337, ClinGen allele CA10514908.